The following is an entry in ClinVar:

NM_001184.4(ATR):c.3587G>C (p.Trp1196Ser)

Gene: ATR (ATR serine/threonine kinase; minus strand). Cytogenetic location: 3q23.
Variant type: single nucleotide variant.
Coding change: c.3587G>C on transcript NM_001184.4 (MANE Select); coding-DNA position 3587, G replaced by C.
Protein change: p.Trp1196Ser; replaces tryptophan 1196 with serine.
Molecular consequence: missense variant.
Genome position (GRCh38, 1-based): chr3:142,538,620, C>G on the plus strand (G>C on the coding strand, the complement: ATR is on the minus strand). VCF-style: chr3-142538620-C-G. GRCh37 (hg19) VCF-style: chr3-142257462-C-G.
Other names: c.3395G>C, p.Trp1132Ser (NM_001354579.2); short protein forms W1132S, W1196S.
Identifiers: ClinVar variation 3330333 (VCV003330333.1).

ClinVar aggregate classification (germline): Uncertain significance (1 of 4 stars; one submission).

Conditions:
Inborn genetic diseases. Identifiers: MedGen C0950123, MeSH D030342.

Submission:

Ambry Genetics
Classification: Uncertain significance for Inborn genetic diseases. Last evaluated: 2024-05-10. Review status: criteria provided, single submitter. Criteria: Ambry Variant Classification Scheme 2023. Collection method: clinical testing. Allele origin: germline.
Comment: The p.W1196S variant (also known as c.3587G>C), located in coding exon 19 of the ATR gene, results from a G to C substitution at nucleotide position 3587. The tryptophan at codon 1196 is replaced by serine, an amino acid with highly dissimilar properties. This amino acid position is conserved. In addition, this alteration is predicted to be deleterious by in silico analysis. Based on the available evidence, the clinical significance of this variant remains unclear.